The following is an entry in ClinVar:

ClinVar aggregate classification (germline): Likely pathogenic (1 of 4 stars; one submission).

Conditions:
Cardiac arrhythmia, ankyrin-B-related. Also called: ANKYRIN-B SYNDROME. Identifiers: Orphanet 101016, Orphanet 768, MedGen C1970119, MONDO:0010958, OMIM 600919.

Submission:

Genetics Laboratory, UDIAT-Centre Diagnòstic, Hospital Universitari Parc Tauli
Classification: Likely pathogenic for cardiac arrhythmia, ankyrin-B-related. Last evaluated: 2024-01-11. Review status: criteria provided, single submitter. Criteria: ACMG Guidelines, 2015. Collection method: clinical testing. Allele origin: unknown. Inheritance: Autosomal dominant inheritance. Affected: yes.
Comment: PVS1_very strong;PM2_supporting

NM_001148.6(ANK2):c.4892_4893del (p.Lys1631fs)

Gene: ANK2 (ankyrin 2; plus strand). Cytogenetic location: 4q26.
Variant type: Deletion.
Coding change: c.4892_4893del on transcript NM_001148.6 (MANE Select); coding-DNA positions 4892 to 4893, 2 bases deleted (AA; older notation c.4892_4893delAA).
Protein change: p.Lys1631fs; shifts the reading frame from lysine 1631.
Molecular consequence: frameshift variant. On other transcripts: intron variant (68).
Genome position (GRCh38, 1-based): chr4:113,353,510-113,353,511, AA deleted; deleting any 2 consecutive bases within chr4:113,353,509-113,353,511 gives the same sequence; the c. name uses the placement nearest the transcript's 3' end. VCF-style (leftmost placement, unchanged base first): chr4-113353508-GAA-G. GRCh37 (hg19) VCF-style: chr4-114274664-GAA-G.
Other names: c.4658_4659del, p.Lys1553fs (NM_001386142.1); c.1292_1293del, p.Lys431fs (NM_001386166.1); c.5033_5034del, p.Lys1678fs (NM_001386174.1); c.5009_5010del, p.Lys1670fs (NM_001386175.1); c.4411+3261_4411+3262del (NM_001386186.2, NM_001386148.2); c.4213+3261_4213+3262del (NM_001354269.3); c.4291+3261_4291+3262del (NM_001386187.2); c.4252+3261_4252+3262del (NM_001386147.1); and 35 more; short protein forms K1553fs, K1631fs, K1670fs, K1678fs, K431fs.
Identifiers: ClinVar variation 3897593 (VCV003897593.1).
Genomic context (GRCh38, chr4:113,353,508, plus strand): 5'-AATCACTGAATATCCATGTGTAGAAGTTAGAATAGATAAAGAGATCAAAGGAAAAGTAGA[GAA>G]AGACTCAACTGGGCTAGTGAACTACCTTACTGATGATCTGAATACCTGTGTGCCTCTTCC-3'